The following is an entry in ClinVar:

ClinVar aggregate classification (germline): Pathogenic. Review status: criteria provided, multiple submitters, no conflicts (2 of 4 stars). 5 submissions from 5 submitters: Pathogenic (5). Last evaluated 2025-11-24.

Conditions:
Breast-ovarian cancer, familial, susceptibility to, 1 (BROVCA1). Also called: BRCA1 Hereditary Breast and Ovarian Cancer; OVARIAN CANCER, SUSCEPTIBILITY TO. Identifiers: Orphanet 145, MedGen C2676676, MONDO:0011450, OMIM 604370. Disease mechanism: loss of function.
Hereditary breast ovarian cancer syndrome. Also called: Hereditary breast and ovarian cancer syndrome (HBOC); Breast and ovarian cancer; Hereditary breast and/or ovarian cancer syndrome; Hereditary breast and ovarian cancer syndrome; BRCA1- and BRCA2-Associated Hereditary Breast and Ovarian Cancer; Hereditary breast and ovarian cancer. Identifiers: Orphanet 145, MedGen C0677776, MeSH D061325, MONDO:0003582. Disease mechanism: loss of function.
Hereditary cancer-predisposing syndrome. Also called: Hereditary Cancer Syndrome; Hereditary neoplastic syndrome; Neoplastic Syndromes, Hereditary; Tumor predisposition. Identifiers: Orphanet 140162, MedGen C0027672, MeSH D009386, MONDO:0015356.

Submissions (5):

Labcorp Genetics (formerly Invitae), Labcorp
Classification: Pathogenic for Hereditary breast ovarian cancer syndrome. Last evaluated: 2025-11-24. Review status: criteria provided, single submitter. Criteria: Invitae Variant Classification Sherloc (09022015). Collection method: clinical testing. Allele origin: germline.
Comment: This sequence change creates a premature translational stop signal (p.Ser387Profs*7) in the BRCA1 gene. It is expected to result in an absent or disrupted protein product. Loss-of-function variants in BRCA1 are known to be pathogenic (PMID: 20104584). This variant is not present in population databases (gnomAD no frequency). This premature translational stop signal has been observed in individual(s) with BRCA1-related conditions (PMID: 18489799). ClinVar contains an entry for this variant (Variation ID: 2680214). For these reasons, this variant has been classified as Pathogenic.

Mayo Clinic Laboratories, Mayo Clinic
Classification: Pathogenic. Last evaluated: 2025-09-05. Review status: criteria provided, single submitter. Criteria: ACMG Guidelines, 2015. Collection method: clinical testing. Allele origin: germline. Observed: 1 variant allele.
Comment: PM2_supporting, PM5_strong, PVS1

Ambry Genetics
Classification: Pathogenic for Hereditary cancer-predisposing syndrome. Last evaluated: 2025-01-30. Review status: criteria provided, single submitter. Criteria: Ambry Variant Classification Scheme 2023. Collection method: clinical testing. Allele origin: germline.
Comment: The c.1159delT pathogenic mutation, located in coding exon 9 of the BRCA1 gene, results from a deletion of one nucleotide at nucleotide position 1159, causing a translational frameshift with a predicted alternate stop codon (p.S387Pfs*7). This alteration is expected to result in loss of function by premature protein truncation or nonsense-mediated mRNA decay. As such, this alteration is interpreted as a disease-causing mutation.

Baylor Genetics
Classification: Pathogenic for Breast-ovarian cancer, familial, susceptibility to, 1. Last evaluated: 2023-08-02. Review status: criteria provided, single submitter. Criteria: ACMG Guidelines, 2015. Collection method: clinical testing. Allele origin: unknown.

Color Diagnostics, LLC DBA Color Health
Classification: Pathogenic for Hereditary cancer-predisposing syndrome. Last evaluated: 2021-07-22. Review status: criteria provided, single submitter. Criteria: ACMG Guidelines, 2015. Collection method: clinical testing. Allele origin: germline.
Comment: This variant deletes 1 nucleotide in exon 10 of the BRCA1 gene, creating a frameshift and premature translation stop signal. This variant is expected to result in an absent or non-functional protein product. To our knowledge, this variant has not been reported in individuals affected with hereditary cancer in the literature. This variant has not been identified in the general population by the Genome Aggregation Database (gnomAD). Loss of BRCA1 function is a known mechanism of disease. Based on the available evidence, this variant is classified as Pathogenic.

Literature cited by the submitters: PubMed 20104584 (cited by Labcorp Genetics (formerly Invitae), Labcorp); PubMed 18489799 (cited by Labcorp Genetics (formerly Invitae), Labcorp).

NM_007294.4(BRCA1):c.1159del (p.Ser387fs)

Gene: BRCA1 (BRCA1 DNA repair associated; minus strand). Cytogenetic location: 17q21.31.
Variant type: Deletion.
Coding change: c.1159del on transcript NM_007294.4 (MANE Select); coding-DNA position 1159, one base deleted (T; older notation c.1159delT).
Protein change: p.Ser387fs; shifts the reading frame from serine 387.
Molecular consequence: frameshift variant. On other transcripts: intron variant (137).
Genome position (GRCh38, 1-based): chr17:43,094,372, A deleted on the plus strand (T on the coding strand, the reverse complement: BRCA1 is on the minus strand); the first of 4 consecutive A bases (chr17:43,094,372-43,094,375); deleting any one gives the same sequence. VCF-style (leftmost placement, unchanged base first): chr17-43094371-GA-G. GRCh37 (hg19) VCF-style: chr17-41246388-GA-G.
Other names: p.Ser387Profs*7; c.1078del, p.Ser360fs (NM_001407660.1, NM_001407661.1, NM_001407662.1 and 1 more transcripts); c.1081del, p.Ser361fs (NM_001407663.1, NM_001407653.1, NM_001407654.1 and 4 more transcripts); c.1036del, p.Ser346fs (NM_001407664.1, NM_001407665.1, NM_001407666.1 and 19 more transcripts); c.1033del, p.Ser345fs (NM_001407670.1, NM_001407685.1, NM_001407686.1 and 11 more transcripts); c.1159del, p.Ser387fs (NM_001407594.1, NM_001407596.1, NM_001407597.1 and 30 more transcripts); c.1156del, p.Ser386fs (NM_001407610.1, NM_001407611.1, NM_001407612.1 and 22 more transcripts); c.1018del, p.Ser340fs (NM_001407692.1, NM_001407694.1, NM_001407695.1 and 29 more transcripts); and 42 more; short protein forms S219fs, S259fs, S260fs, S275fs, S276fs, S298fs, S299fs, S316fs.
Identifiers: ClinVar variation 2680214 (VCV002680214.6), dbSNP rs397508842, ClinGen allele CA2695199935.
Genomic context (GRCh38, chr17:43,094,371, plus strand): 5'-GCATTTGATTCAGACTCCCCATCATGTGAGTCATCAGAACCTAACAGTTCATCACTTCTG[GA>G]AAACCACTCATTAACTTTCTGAATGCTGCTATTTAGTGTTATCCAAGGAACATCTTCAGT-3'